The following is an entry in ClinVar:

ClinVar aggregate classification (germline): Uncertain significance (1 of 4 stars; one submission).

Submission:

Labcorp Genetics (formerly Invitae), Labcorp
Classification: Uncertain significance. Last evaluated: 2022-03-04. Review status: criteria provided, single submitter. Criteria: Invitae Variant Classification Sherloc (09022015). Collection method: clinical testing. Allele origin: germline.
Comment: Algorithms developed to predict the effect of missense changes on protein structure and function are either unavailable or do not agree on the potential impact of this missense change (SIFT: "Tolerated"; PolyPhen-2: "Not Available"; Align-GVGD: "Class C0"). In summary, the available evidence is currently insufficient to determine the role of this variant in disease. Therefore, it has been classified as a Variant of Uncertain Significance. This variant has not been reported in the literature in individuals affected with MNX1-related conditions. This sequence change replaces alanine, which is neutral and non-polar, with valine, which is neutral and non-polar, at codon 123 of the MNX1 protein (p.Ala123Val). The frequency data for this variant in the population databases is considered unreliable, as metrics indicate insufficient coverage at this position in the gnomAD database.

NM_005515.4(MNX1):c.368C>T (p.Ala123Val)

Gene: MNX1 (motor neuron and pancreas homeobox 1; minus strand). Cytogenetic location: 7q36.3.
Variant type: single nucleotide variant.
Coding change: c.368C>T on transcript NM_005515.4 (MANE Select); coding-DNA position 368, C replaced by T.
Protein change: p.Ala123Val; replaces alanine 123 with valine.
Molecular consequence: missense variant.
Genome position (GRCh38, 1-based): chr7:157,009,983, G>A on the plus strand (C>T on the coding strand, the complement: MNX1 is on the minus strand). VCF-style: chr7-157009983-G-A. GRCh37 (hg19) VCF-style: chr7-156802677-G-A.
Other names: short protein forms A123V.
Identifiers: ClinVar variation 1951500 (VCV001951500.5), dbSNP rs2537781103, ClinGen allele CA370164694.
Genomic context (GRCh38, chr7:157,009,983, plus strand): 5'-GGGTGCAGCCCCAGCGCCAGGCCCCCAGCGGCGGCGGCGGCGGCGGCGGCGGCGGCAGCG[G>A]CCGCTGCGCCCGGATGCGCGTGGTGGTGGGGCCCCCCGTGCCCGCCGCCCGTGCCGCCGC-3'
Protein context (NP_005506.3, residues 113-133): PHHHAHPGAA[Ala123Val]AAAAAAAAAA